The following is an entry in ClinVar:

ClinVar aggregate classification (germline): Uncertain significance. Review status: criteria provided, single submitter (1 of 4 stars). 2 submissions from 2 submitters: Uncertain significance (1). 1 of the submissions does not count toward it. Last evaluated 2023-04-20.

Conditions:
UDPglucose-4-epimerase deficiency. Also called: Epimerase Deficiency Galactosemia; UDP-GALACTOSE-4-EPIMERASE DEFICIENCY; Galactose epimerase deficiency; UDPglucose 4-Epimerase Deficiency Disease; GALACTOSEMIA III; GALE DEFICIENCY. Identifiers: Orphanet 352, Orphanet 79238, MedGen C0751161, MONDO:0009257, OMIM 230350.

Allele frequency attached by ClinVar (database versions not stated): gnomAD exomes below 0.00001 and 0.00001.

Submissions (2):

Labcorp Genetics (formerly Invitae), Labcorp
Classification: Uncertain significance for UDPglucose-4-epimerase deficiency. Last evaluated: 2023-04-20. Review status: criteria provided, single submitter. Criteria: Invitae Variant Classification Sherloc (09022015). Collection method: clinical testing. Allele origin: germline.
Comment: This missense change has been observed in individual(s) with galactose epimerase deficiency (PMID: 9538513). In summary, the available evidence is currently insufficient to determine the role of this variant in disease. Therefore, it has been classified as a Variant of Uncertain Significance. Experimental studies are conflicting or provide insufficient evidence to determine the effect of this variant on GALE function (PMID: 9973283, 11117433, 16302980). Advanced modeling of protein sequence and biophysical properties (such as structural, functional, and spatial information, amino acid conservation, physicochemical variation, residue mobility, and thermodynamic stability) performed at Invitae indicates that this missense variant is not expected to disrupt GALE protein function. ClinVar contains an entry for this variant (Variation ID: 3678). This variant is present in population databases (rs28940883, gnomAD 0.003%). This sequence change replaces aspartic acid, which is acidic and polar, with glycine, which is neutral and non-polar, at codon 103 of the GALE protein (p.Asp103Gly).

OMIM
Classification: Pathogenic for GALACTOSEMIA III. Last evaluated: 1998-01-01. Review status: no assertion criteria provided. Collection method: literature only. Allele origin: germline. Not counted in ClinVar's aggregate classification.

Literature cited by the submitters: PubMed 9538513 (cited by Labcorp Genetics (formerly Invitae), Labcorp and OMIM); PubMed 9973283 (cited by Labcorp Genetics (formerly Invitae), Labcorp); PubMed 11117433 (cited by Labcorp Genetics (formerly Invitae), Labcorp); PubMed 16302980 (cited by Labcorp Genetics (formerly Invitae), Labcorp).

NM_001008216.2(GALE):c.308A>G (p.Asp103Gly)

Gene: GALE (UDP-galactose-4-epimerase; minus strand). Cytogenetic location: 1p36.11.
Variant type: single nucleotide variant.
Coding change: c.308A>G on transcript NM_001008216.2 (MANE Select); coding-DNA position 308, A replaced by G.
Protein change: p.Asp103Gly; replaces aspartic acid 103 with glycine.
Molecular consequence: missense variant.
Genome position (GRCh38, 1-based): chr1:23,798,160, T>C on the plus strand (A>G on the coding strand, the complement: GALE is on the minus strand). VCF-style: chr1-23798160-T-C. GRCh37 (hg19) VCF-style: chr1-24124650-T-C.
Other names: c.308A>G, p.Asp103Gly (NM_000403.4, NM_001127621.2); short protein forms D103G.
Identifiers: ClinVar variation 3678 (VCV000003678.5), dbSNP rs28940883, ClinGen allele CA252856.